The following is an entry in ClinVar:

NM_005475.3(SH2B3):c.656G>C (p.Arg219Pro)

Gene: SH2B3 (SH2B adaptor protein 3; plus strand). Cytogenetic location: 12q24.12.
Variant type: single nucleotide variant.
Coding change: c.656G>C on transcript NM_005475.3 (MANE Select); coding-DNA position 656, G replaced by C.
Protein change: p.Arg219Pro; replaces arginine 219 with proline.
Molecular consequence: missense variant.
Genome position (GRCh38, 1-based): chr12:111,418,801, G>C. VCF-style: chr12-111418801-G-C. GRCh37 (hg19) VCF-style: chr12-111856605-G-C.
Other names: short protein forms R219P.
Identifiers: ClinVar variation 3953526 (VCV003953526.1).

ClinVar aggregate classification (germline): Uncertain significance (1 of 4 stars; one submission).

Conditions:
Inborn genetic diseases. Identifiers: MedGen C0950123, MeSH D030342.

Submission:

Ambry Genetics
Classification: Uncertain significance for Inborn genetic diseases. Last evaluated: 2025-05-24. Review status: criteria provided, single submitter. Criteria: Ambry Variant Classification Scheme 2023. Collection method: clinical testing. Allele origin: germline.
Comment: The p.R219P variant (also known as c.656G>C), located in coding exon 1 of the SH2B3 gene, results from a G to C substitution at nucleotide position 656. The arginine at codon 219 is replaced by proline, an amino acid with dissimilar properties. This amino acid position is conserved. In addition, this alteration is predicted to be tolerated by in silico analysis. Based on the available evidence, the clinical significance of this variant remains unclear.